The following is an entry in ClinVar:

ClinVar aggregate classification (germline): Uncertain significance (1 of 4 stars; one submission).

Conditions:
Brachyolmia-amelogenesis imperfecta syndrome. Also called: Tooth agenesis, selective, 6; Dental anomalies and short stature; PLATYSPONDYLY WITH AMELOGENESIS IMPERFECTA. Identifiers: Orphanet 2899, MedGen C1832594, MONDO:0011018, OMIM 601216. Disease mechanism: loss of function.

Submission:

Labcorp Genetics (formerly Invitae), Labcorp
Classification: Uncertain significance for Brachyolmia-amelogenesis imperfecta syndrome. Last evaluated: 2025-11-06. Review status: criteria provided, single submitter. Criteria: Invitae Variant Classification Sherloc (09022015). Collection method: clinical testing. Allele origin: germline.
Comment: This variant, c.2831_2833dup, results in the insertion of 1 amino acid(s) of the LTBP3 protein (p.Cys944dup), but otherwise preserves the integrity of the reading frame. This variant is present in population databases (rs770210592, gnomAD 0.0009%). This variant has not been reported in the literature in individuals affected with LTBP3-related conditions. In summary, the available evidence is currently insufficient to determine the role of this variant in disease. Therefore, it has been classified as a Variant of Uncertain Significance.

NM_001130144.3(LTBP3):c.2825GCT[4] (p.Cys944_Ser945insCys)

Gene: LTBP3 (latent transforming growth factor beta binding protein 3; minus strand). Cytogenetic location: 11q13.1.
Variant type: Microsatellite.
Coding change: c.2825GCT[4] on transcript NM_001130144.3 (MANE Select); four copies in a row of the 3-base unit GCT starting at c.2825; the reference has three copies in a row; one copy, 3 bases duplicated.
Protein change: p.Cys944_Ser945insCys.
Genome position (GRCh38, 1-based): chr11:65,541,186-65,541,188, AGC duplicated on the plus strand (GCT on the coding strand, the reverse complement: LTBP3 is on the minus strand); duplicating any 3 consecutive bases within chr11:65,541,186-65,541,195 gives the same sequence; the position shown is the placement nearest the transcript's 3' end. VCF-style (leftmost placement, unchanged base first): chr11-65541185-G-GAGC. GRCh37 (hg19) VCF-style: chr11-65308656-G-GAGC.
Other names: c.2474GCT[4], p.Cys827_Ser828insCys (NM_001164266.1); c.2825GCT[4], p.Cys944_Ser945insCys (NM_021070.4).
Identifiers: ClinVar variation 4779340 (VCV004779340.1).